The following is an entry in ClinVar:

NM_014588.6(VSX1):c.432C>G (p.Asp144Glu)

Gene: VSX1 (visual system homeobox 1; minus strand). Cytogenetic location: 20p11.21.
Variant type: single nucleotide variant.
Coding change: c.432C>G on transcript NM_014588.6 (MANE Select); coding-DNA position 432, C replaced by G.
Protein change: p.Asp144Glu; replaces aspartic acid 144 with glutamic acid.
Molecular consequence: missense variant. On other transcripts: non-coding transcript variant (3).
Genome position (GRCh38, 1-based): chr20:25,079,507, G>C on the plus strand (C>G on the coding strand, the complement: VSX1 is on the minus strand). VCF-style: chr20-25079507-G-C. GRCh37 (hg19) VCF-style: chr20-25060143-G-C.
Other names: T2542R,thr2542-to-arg; c.432C>G, p.Asp144Glu (NM_001256271.2, NM_001256272.2, NM_199425.3); short protein forms D144E.
Identifiers: ClinVar variation 100939 (VCV000100939.35), dbSNP rs140122268, ClinGen allele CA9793630.

ClinVar aggregate classification (germline): Benign/Likely benign. Review status: criteria provided, multiple submitters, no conflicts (2 of 4 stars). 5 submissions from 5 submitters: Benign (3); Likely benign (2). Last evaluated 2026-05-01.

Conditions:
VSX1-related disorder. Also called: VSX1-related condition.
Posterior polymorphous corneal dystrophy. Also called: CORNEAL DYSTROPHY, HEREDITARY POLYMORPHOUS POSTERIOR; Polymorphous corneal dystrophy. Identifiers: Orphanet 98973, MedGen C0339284, MONDO:0020364, HP:0007915.

Allele frequency attached by ClinVar (database versions not stated): 1000 Genomes Project 30x 0.00250; TOPMed 0.00257; ESP Exome Variant Server 0.00269; gnomAD exomes 0.00334 and 0.00341; gnomAD 0.00286; 1000 Genomes Project 0.00220; ExAC 0.00407.
gnomAD v4.1: 5,347 of 1,611,518 alleles (0.33%); highest among the groups gnomAD compares: Middle Eastern, 1.1%; 28 homozygotes.

Submissions (5):

CeGaT Center for Human Genetics Tuebingen
Classification: Likely benign. Last evaluated: 2026-05-01. Review status: criteria provided, single submitter. Criteria: CeGaT Center For Human Genetics Tuebingen Variant Classification Criteria Version 2. Collection method: clinical testing. Allele origin: germline. Affected: yes. Observed: 4 variant alleles.
Comment: VSX1: BS2

PreventionGenetics, part of Exact Sciences
Classification: Likely benign for VSX1-related condition. Last evaluated: 2026-01-16. Review status: criteria provided, single submitter. Criteria: ACMG Guidelines, 2015. Collection method: clinical testing. Allele origin: germline.
Comment: This variant is classified as likely benign based on ACMG/AMP sequence variant interpretation guidelines (Richards et al. 2015 PMID: 25741868, with internal and published modifications).

Labcorp Genetics (formerly Invitae), Labcorp
Classification: Benign. Last evaluated: 2026-01-08. Review status: criteria provided, single submitter. Criteria: Invitae Variant Classification Sherloc (09022015). Collection method: clinical testing. Allele origin: germline.

Illumina Laboratory Services, Illumina
Classification: Benign for Polymorphous corneal dystrophy. Last evaluated: 2018-03-06. Review status: criteria provided, single submitter. Criteria: ICSL Variant Classification Criteria 13 December 2019. Collection method: clinical testing. Allele origin: germline.
Comment: This variant was observed in the ICSL laboratory as part of a predisposition screen in an ostensibly healthy population. It had not been previously curated by ICSL or reported in the Human Gene Mutation Database (HGMD: prior to June 1st, 2018), and was therefore a candidate for classification through an automated scoring system. Utilizing variant allele frequency, disease prevalence and penetrance estimates, and inheritance mode, an automated score was calculated to assess if this variant is too frequent to cause the disease. Based on the score and internal cut-off values, a variant classified as benign is not then subjected to further curation. The score for this variant resulted in a classification of benign for this disease.

Breakthrough Genomics
Classification: Benign. Review status: criteria provided, single submitter. Criteria: ACMG Guidelines, 2015. Collection method: not provided. Allele origin: germline. Inheritance: Autosomal dominant inheritance. Affected: yes.